The following is an entry in ClinVar:

ClinVar aggregate classification (germline): Likely benign. Review status: criteria provided, multiple submitters, no conflicts (2 of 4 stars). 3 submissions from 3 submitters: Likely benign (2). 1 of the submissions does not count toward it. Last evaluated 2026-03-01.

Conditions:
KIDINS220-related disorder. Also called: KIDINS220-related condition.

Allele frequency attached by ClinVar (database versions not stated): gnomAD exomes 0.00002 and 0.00004; TOPMed 0.00002; gnomAD 0.00003 and 0.00004; ExAC 0.00006.
gnomAD v4.1: 35 of 1,613,584 alleles (0.0022%); highest among the groups gnomAD compares: Non-Finnish European, 0.0023%; no homozygotes.

Submissions (3):

CeGaT Center for Human Genetics Tuebingen
Classification: Likely benign. Last evaluated: 2026-03-01. Review status: criteria provided, single submitter. Criteria: CeGaT Center For Human Genetics Tuebingen Variant Classification Criteria Version 2. Collection method: clinical testing. Allele origin: germline. Affected: yes. Observed: 1 variant allele.
Comment: KIDINS220: BP4, BP7

Labcorp Genetics (formerly Invitae), Labcorp
Classification: Likely benign. Last evaluated: 2024-12-12. Review status: criteria provided, single submitter. Criteria: Invitae Variant Classification Sherloc (09022015). Collection method: clinical testing. Allele origin: germline.

PreventionGenetics, part of Exact Sciences
Classification: Likely benign for KIDINS220-related condition. Last evaluated: 2022-01-05. Review status: no assertion criteria provided. Collection method: clinical testing. Allele origin: germline. Not counted in ClinVar's aggregate classification.
Comment: This variant is classified as likely benign based on ACMG/AMP sequence variant interpretation guidelines (Richards et al. 2015 PMID: 25741868, with internal and published modifications).

NM_020738.4(KIDINS220):c.1521A>G (p.Leu507=)

Gene: KIDINS220 (kinase D interacting substrate 220; minus strand). Cytogenetic location: 2p25.1.
Variant type: single nucleotide variant.
Coding change: c.1521A>G on transcript NM_020738.4 (MANE Select); coding-DNA position 1521, A replaced by G.
Protein change: p.Leu507=; no amino-acid change (leucine 507 retained).
Molecular consequence: synonymous variant. On other transcripts: non-coding transcript variant (2).
Genome position (GRCh38, 1-based): chr2:8,789,980, T>C on the plus strand (A>G on the coding strand, the complement: KIDINS220 is on the minus strand). VCF-style: chr2-8789980-T-C. GRCh37 (hg19) VCF-style: chr2-8930110-T-C.
Other names: c.1521A>G (NM_020738.2); c.1524A>G, p.Leu508= (NM_001348729.2, NM_001348731.2, NM_001348734.2 and 3 more transcripts); c.1521A>G, p.Leu507= (NM_001348732.2, NM_001348735.2, NM_001348738.2 and 3 more transcripts); c.1395A>G, p.Leu465= (NM_001348736.2).
Identifiers: ClinVar variation 1645820 (VCV001645820.14), dbSNP rs775972992, ClinGen allele CA1520165.